The following is an entry in ClinVar:

ClinVar aggregate classification (germline): Pathogenic. Review status: criteria provided, multiple submitters, no conflicts (2 of 4 stars). 13 submissions from 13 submitters: Pathogenic (11). 2 of the submissions do not count toward it. Last evaluated 2026-01-11.

Conditions:
ATM-related cancer predisposition. Also called: ATM-related cancer susceptibility. Identifiers: MedGen CN377759, MONDO:0700270.
ATM-related disorder. Also called: ATM-related disorders; ATM-related condition.
Hereditary cancer-predisposing syndrome. Also called: Neoplastic Syndromes, Hereditary; Hereditary Cancer Syndrome; Tumor predisposition; Hereditary neoplastic syndrome. Identifiers: Orphanet 140162, MedGen C0027672, MeSH D009386, MONDO:0015356.
Cardiac valvular dysplasia, X-linked (CVDPX). Also called: FLNA-Related X-linked Cardiac Valvular Dysplasia; MYXOMATOUS VALVULAR DYSTROPHY, X-LINKED; VALVULAR HEART DISEASE, CONGENITAL; Congenital valvular dysplasia; Isolated X-Linked Cardiac Valvular Dysplasia. Identifiers: Orphanet 1864, Orphanet 555877, Orphanet 75497, MedGen C0262436, MONDO:0010753, OMIM 314400.
Familial cancer of breast. Also called: Hereditary breast cancer; hereditary breast carcinoma; BREAST CANCER, FAMILIAL. Identifiers: Orphanet 227535, MedGen C0346153, MONDO:0016419, OMIM 114480. Disease mechanism: loss of function.
Ataxia-telangiectasia syndrome (AT). Also called: Cerebello-oculocutaneous telangiectasia; Immunodeficiency with ataxia telangiectasia; LOUIS-BAR SYNDROME; Ataxia-telangiectasia, complementation group D; AT, COMPLEMENTATION GROUP C; ATAXIA-TELANGIECTASIA, COMPLEMENTATION GROUP A. Identifiers: Orphanet 100, MedGen C0004135, MONDO:0008840, OMIM 208900.

Submissions (13):

Labcorp Genetics (formerly Invitae), Labcorp
Classification: Pathogenic for Ataxia-telangiectasia syndrome. Last evaluated: 2026-01-11. Review status: criteria provided, single submitter. Criteria: Invitae Variant Classification Sherloc (09022015). Collection method: clinical testing. Allele origin: germline.
Comment: This sequence change creates a premature translational stop signal (p.Ala1299Cysfs*3) in the ATM gene. It is expected to result in an absent or disrupted protein product. Loss-of-function variants in ATM are known to be pathogenic (PMID: 23807571, 25614872). This variant is present in population databases (rs587781823, gnomAD 0.0009%). This premature translational stop signal has been observed in individual(s) with ataxia-telangiectasia (PMID: 10330348, 12815592, 19691550). This variant is also known as c.3894_3895insT. ClinVar contains an entry for this variant (Variation ID: 141534). For these reasons, this variant has been classified as Pathogenic.

GeneDx
Classification: Pathogenic. Last evaluated: 2025-07-31. Review status: criteria provided, single submitter. Criteria: GeneDx Variant Classification Process June 2021. Collection method: clinical testing. Allele origin: germline. Affected: yes.
Comment: Frameshift variant predicted to result in protein truncation or nonsense mediated decay in a gene for which loss-of-function is a known mechanism of disease; Co-observed with an ATM nonsense variant, phase not clarified, in an individual with childhood-onset ataxia (PMID: 34445196); Truncating variants in this gene are considered pathogenic by a well-established clinical consortium and/or database; Observed in individuals with breast or pancreatic cancer (PMID: 29665859, 30128536, 36139606); Not observed at significant frequency in large population cohorts (gnomAD); Also known as c.3894_3895insT; This variant is associated with the following publications: (PMID: 35482138, 35078243, 36744932, 36029002, 30128536, 10330348, 21445571, 12815592, 29922827, 29906526, 29665859, 36139606, 31589614, 37586840, 38882696, 38917355, 39825153, 19691550, 34445196)

Natera, Inc.
Classification: Pathogenic for Ataxia-telangiectasia. Last evaluated: 2025-04-17. Review status: criteria provided, single submitter. Criteria: Natera Variant Classification Schema (03/2026). Collection method: clinical testing. Allele origin: germline.
Comment: The c.3894dupT variant in ATM is a frameshift variant predicted to shift the reading frame beginning at codon 1299 and leads to a stop codon 3 codons downstream. This variant is expected to result in nonsense mediated decay, truncation, or a dysfunctional protein product. This variant is rare in the general population with a frequency below the threshold expected for the associated phenotype(s). This variant has been observed in one or more individuals affected with the associated recessive disease, as either homozygous or compound heterozygous with a second variant (PMID: 21665257). Given the available evidence, this variant is classified as Pathogenic.

Dasa
Classification: Pathogenic for ATM-related cancer predisposition. Last evaluated: 2025-01-31. Review status: criteria provided, single submitter. Criteria: DASA Assertion Criteria. Collection method: clinical testing. Allele origin: germline.
Comment: NM_000051.4(ATM):c.3894dup (p.Ala1299Cysfs*3) introduces a premature termination codon predicted to result in loss of normal protein function. Loss-of-function is an established mechanism of disease for this gene. The affected residue or protein region has prior evidence supporting clinical relevance. The variant is present at low frequency in population datasets. Based on the available data, this variant is classified as pathogenic.

Color Diagnostics, LLC DBA Color Health
Classification: Pathogenic for Hereditary cancer-predisposing syndrome. Last evaluated: 2024-04-30. Review status: criteria provided, single submitter. Criteria: ACMG Guidelines, 2015. Collection method: clinical testing. Allele origin: germline.
Comment: This variant inserts 1 nucleotide in exon 26 of the ATM gene, creating a frameshift and premature translation stop signal. This variant is expected to result in an absent or non-functional protein product. This variant has been reported in homozygosity and compound heterozygosity in many families affected with autosomal recessive ataxia-telangiectasia, indicating that this variant contributes to disease (PMID: 10330348, 12815592, 19691550). This variant has been identified in 2/251274 chromosomes in the general population by the Genome Aggregation Database (gnomAD). Loss of ATM function is a known mechanism of disease. Based on the available evidence, this variant is classified as Pathogenic.

Myriad Genetics, Inc.
Classification: Pathogenic for Familial cancer of breast. Last evaluated: 2024-01-23. Review status: criteria provided, single submitter. Criteria: Myriad Autosomal Dominant, Autosomal Recessive and X-Linked Classification Criteria (2023). Collection method: clinical testing. Allele origin: unknown.
Comment: This variant is considered pathogenic. This variant creates a frameshift predicted to result in premature protein truncation.

Baylor Genetics
Classification: Pathogenic for Familial cancer of breast. Last evaluated: 2023-12-16. Review status: criteria provided, single submitter. Criteria: ACMG Guidelines, 2015. Collection method: clinical testing. Allele origin: unknown.

Ambry Genetics
Classification: Pathogenic for Hereditary cancer-predisposing syndrome. Last evaluated: 2022-12-07. Review status: criteria provided, single submitter. Criteria: Ambry Variant Classification Scheme 2023. Collection method: clinical testing. Allele origin: germline.
Comment: The c.3894dupT pathogenic mutation, located in coding exon 25 of the ATM gene, results from a duplication of T at nucleotide position 3894, causing a translational frameshift with a predicted alternate stop codon (p.A1299Cfs*3). A functional study using the cell line of a patient with ataxia-telangiectasia with this mutation showed truncation of the ATM protein (Teraoka SN et al. Am. J. Hum. Genet. 1999; 64:1617-31). In addition to the data presented in the literature, this alteration is expected to result in loss of function by premature protein truncation or nonsense-mediated mRNA decay. As such, this alteration is interpreted as a disease-causing mutation.

Blueprint Genetics
Classification: Pathogenic for ATM-related disorders. Last evaluated: 2022-04-04. Review status: criteria provided, single submitter. Criteria: ACMG Guidelines, 2015. Collection method: clinical testing. Allele origin: germline. Affected: yes. Observed: 1 variant allele.

Molecular Medicine for Neurodegenerative and Neuromuscular Diseases Unit, IRCCS Fondazione Stella Maris
Classification: Pathogenic for Ataxia-telangiectasia syndrome. Last evaluated: 2021-01-04. Review status: criteria provided, single submitter. Criteria: ACMG Guidelines, 2015. Collection method: research. Allele origin: inherited. Affected: yes.

Women's Health and Genetics/Laboratory Corporation of America, LabCorp
Classification: Pathogenic for Ataxia-telangiectasia syndrome. Last evaluated: 2018-09-14. Review status: criteria provided, single submitter. Criteria: LabCorp Variant Classification Summary - May 2015. Collection method: clinical testing. Allele origin: germline.
Comment: Variant summary: ATM c.3894dupT (p.Ala1299CysfsX3) results in a premature termination codon, predicted to cause a truncation of the encoded protein or absence of the protein due to nonsense mediated decay, which are commonly known mechanisms for disease. The variant allele was found at a frequency of 8.1e-06 in 246054 control chromosomes (gnomAD). c.3894dupT has been reported in the literature in multiple individuals affected with Ataxia-Telangiectasia (Chessa_2009, Micol_2011). These data indicate that the variant is very likely to be associated with disease. To our knowledge, no experimental evidence demonstrating an impact on protein function has been reported. Three ClinVar submissions from clinical diagnostic laboratories (evaluation after 2014) cite the variant as pathogenic. Based on the evidence outlined above, the variant was classified as pathogenic.

Solve-RD Consortium
Classification: Likely pathogenic for Cardiac valvular dysplasia, X-linked. Last evaluated: 2022-06-01. Review status: no assertion criteria provided. Collection method: provider interpretation. Allele origin: inherited. Affected: yes. Observed: 2 variant alleles. Not counted in ClinVar's aggregate classification.
Comment: Variant confirmed as disease-causing by referring clinical team

Variant identified during reanalysis of unsolved cases by the Solve-RD project. The Solve-RD project has received funding from the European Union’s Horizon 2020 research and innovation programme under grant agreement No 779257.

GeneReviews
Classification: Pathogenic for Ataxia-telangiectasia syndrome. Last evaluated: 2016-10-27. Review status: no assertion criteria provided. Collection method: literature only. Allele origin: germline. Affected: yes. Not counted in ClinVar's aggregate classification.

Literature cited by the submitters: PubMed 23807571 (cited by Labcorp Genetics (formerly Invitae), Labcorp); PubMed 25614872 (cited by Labcorp Genetics (formerly Invitae), Labcorp); PubMed 10330348 (cited by 3 submitters); PubMed 12815592 (cited by Labcorp Genetics (formerly Invitae), Labcorp and Color Diagnostics, LLC DBA Color Health); PubMed 19691550 (cited by 3 submitters); PubMed 21665257 (cited by Natera, Inc. and Women's Health and Genetics/Laboratory Corporation of America, LabCorp); PubMed 39825153 (cited by Solve-RD Consortium).

NM_000051.4(ATM):c.3894dup (p.Ala1299fs)

Gene: ATM (ATM serine/threonine kinase; plus strand). Cytogenetic location: 11q22.3.
Variant type: Duplication.
Coding change: c.3894dup on transcript NM_000051.4 (MANE Select); coding-DNA position 3894, one base duplicated (T; older notation c.3894dupT).
Protein change: p.Ala1299fs; shifts the reading frame from alanine 1299.
Molecular consequence: frameshift variant.
Genome position (GRCh38, 1-based): chr11:108,284,374, T duplicated; the last of 4 consecutive T bases (chr11:108,284,371-108,284,374); duplicating any one gives the same sequence. VCF-style (leftmost placement, unchanged base first): chr11-108284370-A-AT. GRCh37 (hg19) VCF-style: chr11-108155097-A-AT.
Other names: 3894insT; c.3894dupT (NM_000051.3); c.3894dup, p.Ala1299fs (NM_001351834.2); short protein forms A1299fs.
Identifiers: ClinVar variation 141534 (VCV000141534.39), dbSNP rs587781823, ClinGen allele CA165711.
Genomic context (GRCh38, chr11:108,284,370, plus strand): 5'-AGGACTGGAAAAGTCTTCTAACAGACTGCTTTCCAAAGATTCTTGTAAATATTCTTCCTT[A>AT]TTTTGCCTATGAGGGTACCAGAGACAGTGGGATGGCACAGCAAAGAGAGACTGCTACCAA-3'